The following is an entry in ClinVar:

ClinVar aggregate classification (germline): Benign/Likely benign. Review status: criteria provided, multiple submitters, no conflicts (2 of 4 stars). 17 submissions from 17 submitters: Benign (9); Likely benign (4). 4 of the submissions do not count toward it. Last evaluated 2026-02-02.

Conditions:
Breast and/or ovarian cancer. Identifiers: MedGen CN221562.
Hereditary cancer-predisposing syndrome. Also called: Tumor predisposition; Hereditary neoplastic syndrome; Neoplastic Syndromes, Hereditary; Hereditary Cancer Syndrome. Identifiers: Orphanet 140162, MedGen C0027672, MeSH D009386, MONDO:0015356.
Hereditary breast ovarian cancer syndrome. Also called: Hereditary breast and ovarian cancer; BRCA1- and BRCA2-Associated Hereditary Breast and Ovarian Cancer; Hereditary breast and/or ovarian cancer syndrome; Hereditary breast and ovarian cancer syndrome; Hereditary breast and ovarian cancer syndrome (HBOC); Breast and ovarian cancer. Identifiers: Orphanet 145, MedGen C0677776, MeSH D061325, MONDO:0003582. Disease mechanism: loss of function.
Breast-ovarian cancer, familial, susceptibility to, 2 (BROVCA2). Also called: BRCA2 Hereditary Breast and Ovarian Cancer. Identifiers: Orphanet 145, MedGen C2675520, MONDO:0012933, OMIM 612555. Disease mechanism: loss of function.
Familial cancer of breast. Also called: hereditary breast carcinoma; Hereditary breast cancer; BREAST CANCER, FAMILIAL. Identifiers: Orphanet 227535, MedGen C0346153, MONDO:0016419, OMIM 114480. Disease mechanism: loss of function.

Allele frequency attached by ClinVar (database versions not stated): TOPMed 0.00044; 1000 Genomes Project 30x 0.00047; 1000 Genomes Project 0.00060; gnomAD exomes 0.00012 and 0.00036; gnomAD 0.00025 and 0.00026; ExAC 0.00031.
gnomAD v4.1: 219 of 1,609,118 alleles (0.014%); highest among the groups gnomAD compares: Admixed American, 0.22%; no homozygotes.

Submissions (17):

Labcorp Genetics (formerly Invitae), Labcorp
Classification: Benign for Hereditary breast ovarian cancer syndrome. Last evaluated: 2026-02-02. Review status: criteria provided, single submitter. Criteria: Invitae Variant Classification Sherloc (09022015). Collection method: clinical testing. Allele origin: germline.

Mayo Clinic Laboratories, Mayo Clinic
Classification: Benign. Last evaluated: 2025-03-18. Review status: criteria provided, single submitter. Criteria: ACMG Guidelines, 2015. Collection method: clinical testing. Allele origin: germline. Observed: 1 variant allele.
Comment: BA1, BP4

Center for Genomic Medicine, Rigshospitalet, Copenhagen University Hospital
Classification: Benign. Last evaluated: 2025-03-04. Review status: criteria provided, single submitter. Criteria: ACMG Guidelines, 2015. Collection method: clinical testing. Allele origin: germline.

Blueprint Genetics
Classification: Likely benign. Last evaluated: 2024-10-24. Review status: criteria provided, single submitter. Criteria: ACMG Guidelines, 2015. Collection method: clinical testing. Allele origin: germline.

ARUP Laboratories, Molecular Genetics and Genomics, ARUP Laboratories
Classification: Benign. Last evaluated: 2024-09-09. Review status: criteria provided, single submitter. Criteria: ARUP Molecular Germline Variant Investigation Process 2024. Collection method: clinical testing. Allele origin: germline.

CHEO Genetics Diagnostic Laboratory, Children's Hospital of Eastern Ontario
Classification: Likely benign for Breast and/or ovarian cancer. Last evaluated: 2022-08-09. Review status: criteria provided, single submitter. Criteria: ACMG Guidelines, 2015. Collection method: clinical testing. Allele origin: germline.

Mendelics
Classification: Likely benign for Breast-ovarian cancer, familial, susceptibility to, 2. Last evaluated: 2019-05-28. Review status: criteria provided, single submitter. Criteria: Mendelics Assertion Criteria 2017. Collection method: clinical testing. Allele origin: unknown.

Baylor Genetics
Classification: Benign for Familial cancer of breast. Last evaluated: 2017-02-23. Review status: criteria provided, single submitter. Criteria: ACMG Guidelines, 2015. Collection method: clinical testing. Allele origin: germline. Inheritance: Autosomal dominant inheritance. Affected: no.

PreventionGenetics, part of Exact Sciences
Classification: Likely benign. Last evaluated: 2016-12-30. Review status: criteria provided, single submitter. Criteria: ACMG Guidelines, 2015. Collection method: clinical testing. Allele origin: germline.

Women's Health and Genetics/Laboratory Corporation of America, LabCorp
Classification: Benign for Hereditary breast ovarian cancer syndrome. Last evaluated: 2016-06-20. Review status: criteria provided, single submitter. Criteria: LabCorp Variant Classification Summary - May 2015. Collection method: clinical testing. Allele origin: germline.
Comment: Variant summary: The BRCA2 c.516+14C>T variant involves the alteration of a non-conserved intronic nucleotide. One in silico tool predicts a benign outcome for this variant. 5/5 splice prediction tools predict no significant impact on normal splicing, which was confirmed by multiple functional studies (Bonnet_2008, Houdayer_2012, Menendez_2012, de Garibay_2014). Although this variant has been reported in breast cancer patients, this variant was also found in 36/117190 control chromosomes, predominantly observed in the Latino subpopulation at a frequency of 0.0027521 (31/11264). This frequency is about 4 times the estimated maximal expected allele frequency of a pathogenic BRCA2 variant (0.0007503), suggesting this is likely a benign polymorphism found primarily in the populations of Latino origin. In addition, co-occurrences of this variant and a pathogenic BRCA1 variant have been reported in at least two patients (Garcia-Casado_2011 and UMD database). Furthermore, multiple clinical diagnostic laboratories/reputable databases classified this variant as benign. Taken together, this variant is classified as benign.

Color Diagnostics, LLC DBA Color Health
Classification: Benign for Hereditary cancer-predisposing syndrome. Last evaluated: 2015-04-25. Review status: criteria provided, single submitter. Criteria: ACMG Guidelines, 2015. Collection method: clinical testing. Allele origin: germline.

Eurofins Ntd Llc (ga)
Classification: Benign. Last evaluated: 2014-12-04. Review status: criteria provided, single submitter. Criteria: EGL Classification Definitions 2015. Collection method: clinical testing. Allele origin: germline. Observed: 1 variant allele, 1 heterozygote.

GeneDx
Classification: Benign. Last evaluated: 2014-01-27. Review status: criteria provided, single submitter. Criteria: GeneDx Variant Classification (06012015). Collection method: clinical testing. Allele origin: germline. Affected: yes.
Comment: This variant is considered likely benign or benign based on one or more of the following criteria: it is a conservative change, it occurs at a poorly conserved position in the protein, it is predicted to be benign by multiple in silico algorithms, and/or has population frequency not consistent with disease.

Clinical Genetics DNA and cytogenetics Diagnostics Lab, Erasmus MC, Erasmus Medical Center
Classification: Likely benign. Review status: no assertion criteria provided. Collection method: clinical testing. Allele origin: germline. Affected: yes. Study: VKGL Data-share Consensus. Not counted in ClinVar's aggregate classification.

Department of Pathology and Laboratory Medicine, Sinai Health System
Classification: Benign. Review status: no assertion criteria provided. Collection method: clinical testing. Allele origin: unknown. Affected: yes. Observed: 9 variant alleles. Study: The Canadian Open Genetics Repository (COGR). Not counted in ClinVar's aggregate classification.
Comment: The BRCA2 c.516+14C>T variant has been shown not to impact mRNA splicing in in vitro splicing assays (Bonnet 2008, Houdayer2012). The variant was identified in dbSNP (ID: rs rs182828913) â€šÃ„ÃºWith benign alleleâ€šÃ„Ã¹, with a minor allele frequency of .0006/3 (1000 Genomes Project, in 3 of 5000 chromosomes, frequency 0.0006), the Exome Aggregation Consortium (ExAC) database (released Oct 20th, 2014) in 36 of 116930 chromosomes (frequency: 0.0003) (or 5 individuals from a population of 63686 European (Non-Finnish) individuals, 31 of 11264 Latino individuals, and none from East Asian, Other, African, South Asian or European (Finnish) individuals; Clinvitae database (2X as benign/likely benign), the ClinVar database (classified as a benign variant by Invitae and GeneDX), GeneInsight COGR database (1X, unclassified by a clinical laboratory), and UMD (12X as a likely neutral variant, with a co-occurring pathogenic BRCA1 variant (c.-200_80del (p.Met1SerfsX13)), increasing the likelihood that the c.516+14C>T variant does not have clinical significance. The variant occurs outside of the splicing consensus sequence and in silico or computational prediction software programs (SpliceSiteFinder, MaxEntScan, NNSPLICE, GeneSplicer, HumanSpliceFinder) do not predict a difference in splicing. In summary, based on the above information, this variant meets our laboratory's criteria to be classified as benign.

Genome Diagnostics Laboratory, University Medical Center Utrecht
Classification: Likely benign. Review status: no assertion criteria provided. Collection method: clinical testing. Allele origin: germline. Affected: yes. Study: VKGL Data-share Consensus. Not counted in ClinVar's aggregate classification.

Joint Genome Diagnostic Labs from Nijmegen and Maastricht, Radboudumc and MUMC+
Classification: Likely benign. Review status: no assertion criteria provided. Collection method: clinical testing. Allele origin: germline. Affected: yes. Study: VKGL Data-share Consensus. Not counted in ClinVar's aggregate classification.

Literature cited by the submitters: PubMed 22713736 (cited by Women's Health and Genetics/Laboratory Corporation of America, LabCorp); PubMed 24123850 (cited by Women's Health and Genetics/Laboratory Corporation of America, LabCorp); PubMed 17262179 (cited by Women's Health and Genetics/Laboratory Corporation of America, LabCorp); PubMed 18424508 (cited by Women's Health and Genetics/Laboratory Corporation of America, LabCorp); PubMed 21735045 (cited by Women's Health and Genetics/Laboratory Corporation of America, LabCorp); PubMed 22505045 (cited by Women's Health and Genetics/Laboratory Corporation of America, LabCorp); PubMed 23613828 (cited by Women's Health and Genetics/Laboratory Corporation of America, LabCorp); PubMed 21989022 (cited by Women's Health and Genetics/Laboratory Corporation of America, LabCorp).

NM_000059.4(BRCA2):c.516+14C>T

Gene: BRCA2 (BRCA2 DNA repair associated; plus strand). Cytogenetic location: 13q13.1.
Variant type: single nucleotide variant.
Coding change: c.516+14C>T on transcript NM_000059.4 (MANE Select); 14 bases into the intron after coding-DNA position 516, C replaced by T.
Molecular consequence: intron variant.
Genome position (GRCh38, 1-based): chr13:32,326,296, C>T. VCF-style: chr13-32326296-C-T. GRCh37 (hg19) VCF-style: chr13-32900433-C-T.
Other names: p.?.
Identifiers: ClinVar variation 132764 (VCV000132764.37), dbSNP rs182828913, ClinGen allele CA021452.